The following is an entry in ClinVar:

NM_145167.3(PIGM):c.104A>G (p.Tyr35Cys)

Gene: PIGM (phosphatidylinositol glycan anchor biosynthesis class M; minus strand). Cytogenetic location: 1q23.2.
Variant type: single nucleotide variant.
Coding change: c.104A>G on transcript NM_145167.3 (MANE Select); coding-DNA position 104, A replaced by G.
Protein change: p.Tyr35Cys; replaces tyrosine 35 with cysteine.
Molecular consequence: missense variant.
Genome position (GRCh38, 1-based): chr1:160,031,636, T>C on the plus strand (A>G on the coding strand, the complement: PIGM is on the minus strand). VCF-style: chr1-160031636-T-C. GRCh37 (hg19) VCF-style: chr1-160001426-T-C.
Other names: short protein forms Y35C.
Identifiers: ClinVar variation 972028 (VCV000972028.7), dbSNP rs532931742, ClinGen allele CA1193120.

ClinVar aggregate classification (germline): Uncertain significance (1 of 4 stars; one submission).

Conditions:
Hypercoagulability syndrome due to glycosylphosphatidylinositol deficiency (GPIBD1). Also called: GLYCOSYLPHOSPHATIDYLINOSITOL BIOSYNTHESIS DEFECT 1. Identifiers: Orphanet 83639, MedGen C5201145, MONDO:0012465, OMIM 610293.

Allele frequency attached by ClinVar (database versions not stated): gnomAD 0.00007; TOPMed 0.00009; gnomAD exomes 0.00012 and 0.00015; ExAC 0.00015; 1000 Genomes Project 30x 0.00016; 1000 Genomes Project 0.00020.

Submission:

Labcorp Genetics (formerly Invitae), Labcorp
Classification: Uncertain significance for Hypercoagulability syndrome due to glycosylphosphatidylinositol deficiency. Last evaluated: 2025-05-08. Review status: criteria provided, single submitter. Criteria: Invitae Variant Classification Sherloc (09022015). Collection method: clinical testing. Allele origin: germline.
Comment: This sequence change replaces tyrosine, which is neutral and polar, with cysteine, which is neutral and slightly polar, at codon 35 of the PIGM protein (p.Tyr35Cys). This variant is present in population databases (rs532931742, gnomAD 0.08%), and has an allele count higher than expected for a pathogenic variant. This variant has not been reported in the literature in individuals affected with PIGM-related conditions. ClinVar contains an entry for this variant (Variation ID: 972028). Invitae Evidence Modeling of protein sequence and biophysical properties (such as structural, functional, and spatial information, amino acid conservation, physicochemical variation, residue mobility, and thermodynamic stability) indicates that this missense variant is expected to disrupt PIGM protein function with a positive predictive value of 80%. In summary, the available evidence is currently insufficient to determine the role of this variant in disease. Therefore, it has been classified as a Variant of Uncertain Significance.